The following is an entry in ClinVar:

ClinVar aggregate classification (germline): Benign/Likely benign. Review status: criteria provided, multiple submitters, no conflicts (2 of 4 stars). 8 submissions from 8 submitters: Benign (3); Likely benign (4). 1 of the submissions does not count toward it. Last evaluated 2026-07-01.

Conditions:
Dyskeratosis congenita, autosomal recessive 5 (DKCB5). Identifiers: MedGen C3554656, MONDO:0014076, OMIM 615190.
Pulmonary fibrosis and/or bone marrow failure, Telomere-related, 3. Also called: PULMONARY FIBROSIS AND/OR BONE MARROW FAILURE SYNDROME, TELOMERE-RELATED, 3. Identifiers: Orphanet 2032, MedGen C4225346, MONDO:0014613, OMIM 616373.
Dyskeratosis congenita. Identifiers: Orphanet 1775, MedGen C0265965, MONDO:0015780.

Allele frequency attached by ClinVar (database versions not stated): 1000 Genomes Project 30x 0.00375; 1000 Genomes Project 0.00419; TOPMed 0.00825; gnomAD 0.00940 and 0.00947; ExAC 0.00965; gnomAD exomes 0.01006; ESP Exome Variant Server 0.01053.
gnomAD v4.1: 18,508 of 1,614,118 alleles (1.1%); highest among the groups gnomAD compares: Non-Finnish European, 1.3%; 133 homozygotes.

Submissions (8):

CeGaT Center for Human Genetics Tuebingen
Classification: Benign. Last evaluated: 2026-07-01. Review status: criteria provided, single submitter. Criteria: CeGaT Center For Human Genetics Tuebingen Variant Classification Criteria Version 2. Collection method: clinical testing. Allele origin: germline. Affected: yes. Observed: 24 variant alleles.
Comment: RTEL1: BP4, BP7, BS1, BS2

Labcorp Genetics (formerly Invitae), Labcorp
Classification: Benign for Dyskeratosis congenita, autosomal recessive 5; Pulmonary fibrosis and/or bone marrow failure, Telomere-related, 3. Last evaluated: 2026-02-01. Review status: criteria provided, single submitter. Criteria: Invitae Variant Classification Sherloc (09022015). Collection method: clinical testing. Allele origin: germline.

ARUP Laboratories, Molecular Genetics and Genomics, ARUP Laboratories
Classification: Likely benign. Last evaluated: 2025-01-30. Review status: criteria provided, single submitter. Criteria: ARUP Molecular Germline Variant Investigation Process 2024. Collection method: clinical testing. Allele origin: germline.

Blueprint Genetics
Classification: Likely benign. Last evaluated: 2024-11-28. Review status: criteria provided, single submitter. Criteria: ACMG Guidelines, 2015. Collection method: clinical testing. Allele origin: germline.

Mayo Clinic Laboratories, Mayo Clinic
Classification: Benign. Last evaluated: 2024-01-15. Review status: criteria provided, single submitter. Criteria: ACMG Guidelines, 2015. Collection method: clinical testing. Allele origin: germline. Observed: 22 variant alleles.
Comment: BS1, BS2, BP4, BP7

GeneDx
Classification: Likely benign. Last evaluated: 2020-12-18. Review status: criteria provided, single submitter. Criteria: GeneDx Variant Classification Process June 2021. Collection method: clinical testing. Allele origin: germline. Affected: yes.

Breakthrough Genomics
Classification: Likely benign. Review status: criteria provided, single submitter. Criteria: ACMG Guidelines, 2015. Collection method: not provided. Allele origin: germline. Inheritance: Autosomal recessive inheritance. Affected: yes.

Natera, Inc.
Classification: Likely benign for Dyskeratosis congenita. Last evaluated: 2019-11-26. Review status: no assertion criteria provided. Collection method: clinical testing. Allele origin: germline. Not counted in ClinVar's aggregate classification.

NM_001283009.2(RTEL1):c.936G>A (p.Leu312=)

Genes: RTEL1 (regulator of telomere elongation helicase 1; plus strand), RTEL1-TNFRSF6B (RTEL1-TNFRSF6B readthrough (NMD candidate); plus strand). Cytogenetic location: 20q13.33.
Variant type: single nucleotide variant.
Coding change: c.936G>A on transcript NM_001283009.2 (MANE Select); coding-DNA position 936, G replaced by A.
Protein change: p.Leu312=; no amino-acid change (leucine 312 retained).
Molecular consequence: synonymous variant. On other transcripts: non-coding transcript variant (1).
Genome position (GRCh38, 1-based): chr20:63,678,161, G>A. VCF-style: chr20-63678161-G-A. GRCh37 (hg19) VCF-style: chr20-62309514-G-A.
Other names: p.Leu336=; c.267G>A, p.Leu89= (NM_001283010.1); c.936G>A, p.Leu312= (NM_016434.4); c.1008G>A, p.Leu336= (NM_032957.5).
Identifiers: ClinVar variation 473897 (VCV000473897.46), dbSNP rs41302954, ClinGen allele CA9964515.